The following is an entry in ClinVar:

NM_001375524.1(TRRAP):c.964G>T (p.Ala322Ser)

Gene: TRRAP (transformation/transcription domain associated protein; plus strand). Cytogenetic location: 7q22.1.
Variant type: single nucleotide variant.
Coding change: c.964G>T on transcript NM_001375524.1 (MANE Select); coding-DNA position 964, G replaced by T.
Protein change: p.Ala322Ser; replaces alanine 322 with serine.
Molecular consequence: missense variant.
Genome position (GRCh38, 1-based): chr7:98,903,445, G>T. VCF-style: chr7-98903445-G-T. GRCh37 (hg19) VCF-style: chr7-98501068-G-T.
Other names: c.964G>T, p.Ala322Ser (NM_001244580.2, NM_003496.4); c.964G>T (NM_001244580.1); short protein forms A322S.
Identifiers: ClinVar variation 1929333 (VCV001929333.6), dbSNP rs1554407023, ClinGen allele CA368281963.
Genomic context (GRCh38, chr7:98,903,445, plus strand): 5'-GTGACTAAGTATTCTCAGCAGATGGTGAAAGGAATGCTCCAGTTACTTTCAAATTGTCCA[G>T]CAGAGACTGCACACCTCAGAAAGGAGCTTCTGATTGCTGCCAAACACATCCTCACCACAG-3'
Protein context (NP_001362453.1, residues 312-332): GMLQLLSNCP[Ala322Ser]ETAHLRKELL

ClinVar aggregate classification (germline): Uncertain significance. Review status: criteria provided, multiple submitters, no conflicts (2 of 4 stars). 2 submissions from 2 submitters: Uncertain significance (2). Last evaluated 2025-08-25.

Conditions:
Inborn genetic diseases. Identifiers: MedGen C0950123, MeSH D030342.

Allele frequency attached by ClinVar (database versions not stated): gnomAD exomes below 0.00001.
gnomAD v4.1: 2 of 1,614,212 alleles (0.00012%); highest among the groups gnomAD compares: Admixed American, 0.0017%; no homozygotes.

Submissions (2):

Ambry Genetics
Classification: Uncertain significance for Inborn genetic diseases. Last evaluated: 2025-08-25. Review status: criteria provided, single submitter. Criteria: Ambry Variant Classification Scheme 2023. Collection method: clinical testing. Allele origin: germline.

Labcorp Genetics (formerly Invitae), Labcorp
Classification: Uncertain significance. Last evaluated: 2025-01-20. Review status: criteria provided, single submitter. Criteria: Invitae Variant Classification Sherloc (09022015). Collection method: clinical testing. Allele origin: germline.
Comment: This sequence change replaces alanine, which is neutral and non-polar, with serine, which is neutral and polar, at codon 322 of the TRRAP protein (p.Ala322Ser). This variant is present in population databases (no rsID available, gnomAD 0.003%). This variant has not been reported in the literature in individuals affected with TRRAP-related conditions. ClinVar contains an entry for this variant (Variation ID: 1929333). Invitae Evidence Modeling of protein sequence and biophysical properties (such as structural, functional, and spatial information, amino acid conservation, physicochemical variation, residue mobility, and thermodynamic stability) indicates that this missense variant is not expected to disrupt TRRAP protein function with a negative predictive value of 80%. In summary, the available evidence is currently insufficient to determine the role of this variant in disease. Therefore, it has been classified as a Variant of Uncertain Significance.